The following is an entry in ClinVar:

ClinVar aggregate classification (germline): Uncertain significance (1 of 4 stars; one submission).

Conditions:
Charcot-Marie-Tooth disease dominant intermediate E. Also called: CHARCOT-MARIE-TOOTH NEUROPATHY WITH FOCAL SEGMENTAL GLOMERULONEPHRITIS. Identifiers: Orphanet 93114, MedGen C4302667, MONDO:0013758, OMIM 614455.
Focal segmental glomerulosclerosis 5 (FSGS5). Identifiers: Orphanet 656, MedGen C2750475, MONDO:0013191, OMIM 613237.

Submission:

Labcorp Genetics (formerly Invitae), Labcorp
Classification: Uncertain significance for Charcot-Marie-Tooth disease dominant intermediate E; Focal segmental glomerulosclerosis 5. Last evaluated: 2018-07-15. Review status: criteria provided, single submitter. Criteria: Invitae Variant Classification Sherloc (09022015). Collection method: clinical testing. Allele origin: germline.
Comment: This sequence change replaces valine with isoleucine at codon 195 of the INF2 protein (p.Val195Ile). The valine residue is moderately conserved and there is a small physicochemical difference between valine and isoleucine. This variant is not present in population databases (ExAC no frequency). This variant has not been reported in the literature in individuals with INF2-related disease. Algorithms developed to predict the effect of missense changes on protein structure and function output the following: SIFT: "Tolerated"; PolyPhen-2: "Possibly Damaging"; Align-GVGD: "Class C0". The isoleucine amino acid residue is found in multiple mammalian species, suggesting that this missense change does not adversely affect protein function. These predictions have not been confirmed by published functional studies and their clinical significance is uncertain. In summary, the available evidence is currently insufficient to determine the role of this variant in disease. Therefore, it has been classified as a Variant of Uncertain Significance.

NM_022489.4(INF2):c.583G>A (p.Val195Ile)

Gene: INF2 (inverted formin 2; plus strand). Cytogenetic location: 14q32.33.
Variant type: single nucleotide variant.
Coding change: c.583G>A on transcript NM_022489.4 (MANE Select); coding-DNA position 583, G replaced by A.
Protein change: p.Val195Ile; replaces valine 195 with isoleucine.
Molecular consequence: missense variant.
Genome position (GRCh38, 1-based): chr14:104,703,370, G>A. VCF-style: chr14-104703370-G-A. GRCh37 (hg19) VCF-style: chr14-105169707-G-A.
Other names: c.583G>A, p.Val195Ile (NM_001031714.4, NM_032714.3); short protein forms V195I.
Identifiers: ClinVar variation 656403 (VCV000656403.8), dbSNP rs1595166165, ClinGen allele CA391213318.